The following is an entry in ClinVar:

NM_000179.3(MSH6):c.3787C>G (p.Arg1263Gly)

Gene: MSH6 (mutS homolog 6; plus strand). Cytogenetic location: 2p16.3.
Variant type: single nucleotide variant.
Coding change: c.3787C>G on transcript NM_000179.3 (MANE Select); coding-DNA position 3787, C replaced by G.
Protein change: p.Arg1263Gly; replaces arginine 1263 with glycine.
Molecular consequence: missense variant. On other transcripts: non-coding transcript variant (5).
Genome position (GRCh38, 1-based): chr2:47,806,344, C>G. VCF-style: chr2-47806344-C-G. GRCh37 (hg19) VCF-style: chr2-48033483-C-G.
Other names: c.568C>G, p.Arg190Gly (NM_001406831.1); c.3490C>G, p.Arg1164Gly (NM_001406828.1, NM_001406830.1, NM_001406822.1 and 10 more transcripts); c.634C>G, p.Arg212Gly (NM_001406832.1); c.2881C>G, p.Arg961Gly (NM_001406829.1, NM_001406823.1, NM_001406812.1 and 6 more transcripts); c.3619C>G, p.Arg1207Gly (NM_001406826.1); c.1732C>G, p.Arg578Gly (NM_001407362.1); c.3793C>G, p.Arg1265Gly (NM_001406813.1); c.2221C>G, p.Arg741Gly (NM_001406817.1); and 7 more; short protein forms R1263G, R1295G, R741G, R961G, R975G, R1088G, R1207G, R1265G.
Identifiers: ClinVar variation 3633974 (VCV003633974.2).

ClinVar aggregate classification (germline): Uncertain significance (1 of 4 stars; one submission).

Conditions:
Hereditary nonpolyposis colorectal neoplasms. Identifiers: MedGen C0009405, MeSH D003123.

Submission:

Labcorp Genetics (formerly Invitae), Labcorp
Classification: Uncertain significance for Hereditary nonpolyposis colorectal neoplasms. Last evaluated: 2024-12-09. Review status: criteria provided, single submitter. Criteria: Invitae Variant Classification Sherloc (09022015). Collection method: clinical testing. Allele origin: germline.
Comment: This sequence change replaces arginine, which is basic and polar, with glycine, which is neutral and non-polar, at codon 1263 of the MSH6 protein (p.Arg1263Gly). This variant is not present in population databases (gnomAD no frequency). This variant has not been reported in the literature in individuals affected with MSH6-related conditions. Invitae Evidence Modeling of protein sequence and biophysical properties (such as structural, functional, and spatial information, amino acid conservation, physicochemical variation, residue mobility, and thermodynamic stability) indicates that this missense variant is not expected to disrupt MSH6 protein function with a negative predictive value of 95%. In summary, the available evidence is currently insufficient to determine the role of this variant in disease. Therefore, it has been classified as a Variant of Uncertain Significance.